The following is an entry in ClinVar:

NM_022039.4(FBXW4):c.609C>T (p.Leu203=)

Genes: FBXW4 (F-box and WD repeat domain containing 4; minus strand), LOC130004563 (ATAC-STARR-seq lymphoblastoid silent region 2723; plus strand). Cytogenetic location: 10q24.32.
Variant type: single nucleotide variant.
Coding change: c.609C>T on transcript NM_022039.4 (MANE Select); coding-DNA position 609, C replaced by T.
Protein change: p.Leu203=; no amino-acid change (leucine 203 retained).
Molecular consequence: synonymous variant. On other transcripts: non-coding transcript variant (1), intron variant (1).
Genome position (GRCh38, 1-based): chr10:101,694,497, G>A on the plus strand (C>T on the coding strand, the complement: FBXW4 is on the minus strand). VCF-style: chr10-101694497-G-A. GRCh37 (hg19) VCF-style: chr10-103454254-G-A.
Other names: c.144C>T (NM_022039.3); c.-2+743C>T (NM_001323541.2).
Identifiers: ClinVar variation 2084606 (VCV002084606.6), dbSNP rs770271071, ClinGen allele CA5657475.
Genomic context (GRCh38, chr10:101,694,497, plus strand): 5'-CCAGAGCAGATCGCAGCTGGTGAAGCGCCGCAGCCAGCGGCACACCTGGGCCAGGCGGCC[G>A]AGGGCCCGCATGTCCAGGTAGGAGCAGATGAGCAGCAGCAGCTCCTCCGGCAGGCGCCAG-3'
Protein context (NP_071322.2, residues 193-213): LICSYLDMRA[Leu203=]GRLAQVCRWL

ClinVar aggregate classification (germline): Likely benign. Review status: criteria provided, single submitter (1 of 4 stars). 2 submissions from 2 submitters: Likely benign (1). 1 of the submissions does not count toward it. Last evaluated 2025-08-03.

Conditions:
FBXW4-related disorder. Also called: FBXW4-related condition.

Allele frequency attached by ClinVar (database versions not stated): TOPMed 0.00005; gnomAD 0.00006; ExAC 0.00028.

Submissions (2):

Labcorp Genetics (formerly Invitae), Labcorp
Classification: Likely benign. Last evaluated: 2025-08-03. Review status: criteria provided, single submitter. Criteria: Invitae Variant Classification Sherloc (09022015). Collection method: clinical testing. Allele origin: germline.

PreventionGenetics, part of Exact Sciences
Classification: Likely benign for FBXW4-related condition. Last evaluated: 2020-03-06. Review status: no assertion criteria provided. Collection method: clinical testing. Allele origin: germline. Not counted in ClinVar's aggregate classification.
Comment: This variant is classified as likely benign based on ACMG/AMP sequence variant interpretation guidelines (Richards et al. 2015 PMID: 25741868, with internal and published modifications).